The following is an entry in ClinVar:

NM_000545.8(HNF1A):c.527-18G>A

Gene: HNF1A (HNF1 homeobox A; plus strand). Cytogenetic location: 12q24.31.
Variant type: single nucleotide variant.
Coding change: c.527-18G>A on transcript NM_000545.8 (MANE Select); 18 bases into the intron before coding-DNA position 527, G replaced by A.
Molecular consequence: intron variant.
Genome position (GRCh38, 1-based): chr12:120,993,502, G>A. VCF-style: chr12-120993502-G-A. GRCh37 (hg19) VCF-style: chr12-121431305-G-A.
Other names: c.527-18G>A (NM_001306179.2).
Identifiers: ClinVar variation 994549 (VCV000994549.9), dbSNP rs375259151, ClinGen allele CA244532339.

ClinVar aggregate classification (germline): Conflicting classifications of pathogenicity. Review status: criteria provided, conflicting classifications (1 of 4 stars). 4 submissions from 4 submitters: Uncertain significance (1); Benign (1); Likely benign (2). Last evaluated 2025-10-22.

Conditions:
Maturity-onset diabetes of the young (MODY). Also called: Maturity onset diabetes mellitus in young. Identifiers: Orphanet 552, MedGen C0342276, MONDO:0018911, HP:0004904.

Allele frequency attached by ClinVar (database versions not stated): gnomAD exomes 0.00001 and 0.00002; gnomAD 0.00004; ESP Exome Variant Server 0.00008; TOPMed 0.00009.
gnomAD v4.1: 29 of 1,613,300 alleles (0.0018%); highest among the groups gnomAD compares: African/African-American, 0.025%; no homozygotes.

Submissions (4):

Labcorp Genetics (formerly Invitae), Labcorp
Classification: Likely benign. Last evaluated: 2025-10-22. Review status: criteria provided, single submitter. Criteria: Invitae Variant Classification Sherloc (09022015). Collection method: clinical testing. Allele origin: germline.

Women's Health and Genetics/Laboratory Corporation of America, LabCorp
Classification: Likely benign. Last evaluated: 2024-08-27. Review status: criteria provided, single submitter. Criteria: LabCorp Variant Classification Summary - May 2015. Collection method: clinical testing. Allele origin: germline.

Athena Diagnostics
Classification: Uncertain significance. Last evaluated: 2019-12-30. Review status: criteria provided, single submitter. Criteria: Athena Diagnostics Criteria. Collection method: clinical testing. Allele origin: unknown.

Clinical Genomics, Uppaluri K&H Personalized Medicine Clinic
Classification: Benign for Maturity-onset diabetes of the young. Review status: criteria provided, single submitter. Criteria: K & H Uppaluri Personalized Medicine Clinic Variant Classification & Assertion Criteria_Updated V.1. Collection method: research. Allele origin: unknown. Inheritance: Autosomal dominant inheritance.
Comment: Mutations in HNF1A gene can predispose to MODY3. It is associated with both micro and macrovascular complications of diabetes, especially cardiovascular complications. Associated with glucosuria. May respond well to sulfonylureas. However, more evidence is required to confer the association of this particular variant rs375259151 with MODY3.

Literature cited by the submitters: PubMed 31517624 (cited by Clinical Genomics, Uppaluri K&H Personalized Medicine Clinic); PubMed 32395877 (cited by Clinical Genomics, Uppaluri K&H Personalized Medicine Clinic); PubMed 35328643 (cited by Clinical Genomics, Uppaluri K&H Personalized Medicine Clinic); PubMed 35673428 (cited by Clinical Genomics, Uppaluri K&H Personalized Medicine Clinic).